The following is an entry in ClinVar:

NM_015450.3(POT1):c.70A>C (p.Asn24His)

Gene: POT1 (protection of telomeres 1; minus strand). Cytogenetic location: 7q31.33.
Variant type: single nucleotide variant.
Coding change: c.70A>C on transcript NM_015450.3 (MANE Select); coding-DNA position 70, A replaced by C.
Protein change: p.Asn24His; replaces asparagine 24 with histidine.
Molecular consequence: missense variant. On other transcripts: 5 prime UTR variant (1), non-coding transcript variant (3).
Genome position (GRCh38, 1-based): chr7:124,892,320, T>G on the plus strand (A>C on the coding strand, the complement: POT1 is on the minus strand). VCF-style: chr7-124892320-T-G. GRCh37 (hg19) VCF-style: chr7-124532374-T-G.
Other names: c.-193A>C (NM_001042594.2); short protein forms N24H.
Identifiers: ClinVar variation 3423149 (VCV003423149.1).
Genomic context (GRCh38, chr7:124,892,320, plus strand): 5'-ACCTACCAGTTCCTTTGCTTAGATATGGGGGCTTAAAGAACTTCACAACACCATAGACAT[T>G]GACAATTGTACCACCCTTAAGTTGATTCAGGGGTGTATATATATAATTTGTTGCTGGAAC-3'
Protein context (NP_056265.2, residues 14-34): LNQLKGGTIV[Asn24His]VYGVVKFFKP

ClinVar aggregate classification (germline): Uncertain significance (1 of 4 stars; one submission).

Conditions:
Hereditary cancer-predisposing syndrome. Also called: Neoplastic Syndromes, Hereditary; Tumor predisposition; Hereditary Cancer Syndrome; Hereditary neoplastic syndrome. Identifiers: Orphanet 140162, MedGen C0027672, MeSH D009386, MONDO:0015356.

Submission:

Ambry Genetics
Classification: Uncertain significance for Hereditary cancer-predisposing syndrome. Last evaluated: 2024-11-14. Review status: criteria provided, single submitter. Criteria: Ambry Variant Classification Scheme 2023. Collection method: clinical testing. Allele origin: germline.
Comment: The p.N24H variant (also known as c.70A>C), located in coding exon 2 of the POT1 gene, results from an A to C substitution at nucleotide position 70. The asparagine at codon 24 is replaced by histidine, an amino acid with similar properties. This amino acid position is conserved. In addition, this alteration is predicted to be tolerated by in silico analysis. Based on the available evidence, the clinical significance of this variant remains unclear.